The following is an entry in ClinVar:

ClinVar aggregate classification (germline): Uncertain significance. Review status: criteria provided, multiple submitters, no conflicts (2 of 4 stars). 3 submissions from 3 submitters: Uncertain significance (3). Last evaluated 2024-11-21.

Conditions:
Hereditary cancer-predisposing syndrome. Also called: Neoplastic Syndromes, Hereditary; Tumor predisposition; Hereditary neoplastic syndrome; Hereditary Cancer Syndrome. Identifiers: Orphanet 140162, MedGen C0027672, MeSH D009386, MONDO:0015356.

Allele frequency attached by ClinVar (database versions not stated): gnomAD exomes 0.00002.
gnomAD v4.1: 27 of 1,612,904 alleles (0.0017%); highest among the groups gnomAD compares: Non-Finnish European, 0.0022%; no homozygotes.

Submissions (3):

Labcorp Genetics (formerly Invitae), Labcorp
Classification: Uncertain significance. Last evaluated: 2024-11-21. Review status: criteria provided, single submitter. Criteria: Invitae Variant Classification Sherloc (09022015). Collection method: clinical testing. Allele origin: germline.
Comment: This sequence change replaces proline, which is neutral and non-polar, with threonine, which is neutral and polar, at codon 222 of the HOXB13 protein (p.Pro222Thr). This variant is not present in population databases (gnomAD no frequency). This variant has not been reported in the literature in individuals affected with HOXB13-related conditions. ClinVar contains an entry for this variant (Variation ID: 826533). Invitae Evidence Modeling of protein sequence and biophysical properties (such as structural, functional, and spatial information, amino acid conservation, physicochemical variation, residue mobility, and thermodynamic stability) indicates that this missense variant is not expected to disrupt HOXB13 protein function with a negative predictive value of 80%. In summary, the available evidence is currently insufficient to determine the role of this variant in disease. Therefore, it has been classified as a Variant of Uncertain Significance.

Ambry Genetics
Classification: Uncertain significance for Hereditary cancer-predisposing syndrome. Last evaluated: 2024-11-11. Review status: criteria provided, single submitter. Criteria: Ambry Variant Classification Scheme 2023. Collection method: clinical testing. Allele origin: germline.
Comment: The p.P222T variant (also known as c.664C>A), located in coding exon 2 of the HOXB13 gene, results from a C to A substitution at nucleotide position 664. The proline at codon 222 is replaced by threonine, an amino acid with highly similar properties. This amino acid position is highly conserved in available vertebrate species. In addition, this alteration is predicted to be deleterious by in silico analysis. Since supporting evidence is limited at this time, the clinical significance of this alteration remains unclear.

GeneDx
Classification: Uncertain significance. Last evaluated: 2024-04-16. Review status: criteria provided, single submitter. Criteria: GeneDx Variant Classification Process June 2021. Collection method: clinical testing. Allele origin: germline. Affected: yes.
Comment: Not observed at significant frequency in large population cohorts (gnomAD); In silico analysis supports that this missense variant has a deleterious effect on protein structure/function; Has not been previously published as pathogenic or benign to our knowledge; This variant is associated with the following publications: (PMID: 19389631, 8756292)

NM_006361.6(HOXB13):c.664C>A (p.Pro222Thr)

Gene: HOXB13 (homeobox B13; minus strand). Cytogenetic location: 17q21.32.
Variant type: single nucleotide variant.
Coding change: c.664C>A on transcript NM_006361.6 (MANE Select); coding-DNA position 664, C replaced by A.
Protein change: p.Pro222Thr; replaces proline 222 with threonine.
Molecular consequence: missense variant.
Genome position (GRCh38, 1-based): chr17:48,726,981, G>T on the plus strand (C>A on the coding strand, the complement: HOXB13 is on the minus strand). VCF-style: chr17-48726981-G-T. GRCh37 (hg19) VCF-style: chr17-46804343-G-T.
Other names: short protein forms P222T.
Identifiers: ClinVar variation 826533 (VCV000826533.14), dbSNP rs1597932871, ClinGen allele CA400106777.